The following is an entry in ClinVar:

NM_001079855.2(GYG2):c.799G>A (p.Val267Ile)

Gene: GYG2 (glycogenin 2; plus strand). Cytogenetic location: Xp22.33.
Variant type: single nucleotide variant.
Coding change: c.799G>A on transcript NM_001079855.2 (MANE Select); coding-DNA position 799, G replaced by A.
Protein change: p.Val267Ile; replaces valine 267 with isoleucine.
Molecular consequence: missense variant.
Genome position (GRCh38, 1-based): chrX:2,860,027, G>A. VCF-style: chrX-2860027-G-A. GRCh37 (hg19) VCF-style: chrX-2778068-G-A.
Other names: c.799G>A, p.Val267Ile (NM_001184702.2); c.892G>A, p.Val298Ile (NM_001184703.2, NM_003918.3); c.334G>A, p.Val112Ile (NM_001184704.2); short protein forms V298I, V112I, V267I.
Identifiers: ClinVar variation 391207 (VCV000391207.7), dbSNP rs146066080, ClinGen allele CA10337162.

ClinVar aggregate classification (germline): Conflicting classifications of pathogenicity. Review status: criteria provided, conflicting classifications (1 of 4 stars). 3 submissions from 3 submitters: Uncertain significance (2); Likely benign (1). Last evaluated 2024-04-23.

Allele frequency attached by ClinVar (database versions not stated): gnomAD exomes 0.00020 and 0.00045; ExAC 0.00022; gnomAD 0.00022 and 0.00023; TOPMed 0.00030; ESP Exome Variant Server 0.00076.

Submissions (3):

Ambry Genetics
Classification: Uncertain significance. Last evaluated: 2024-04-23. Review status: criteria provided, single submitter. Criteria: Ambry Variant Classification Scheme 2023. Collection method: clinical testing. Allele origin: germline.

Labcorp Genetics (formerly Invitae), Labcorp
Classification: Uncertain significance. Last evaluated: 2023-07-03. Review status: criteria provided, single submitter. Criteria: Invitae Variant Classification Sherloc (09022015). Collection method: clinical testing. Allele origin: germline.
Comment: This variant has not been reported in the literature in individuals affected with GYG2-related conditions. ClinVar contains an entry for this variant (Variation ID: 391207). Algorithms developed to predict the effect of missense changes on protein structure and function output the following: SIFT: "Not Available"; PolyPhen-2: "Benign"; Align-GVGD: "Not Available". The isoleucine amino acid residue is found in multiple mammalian species, which suggests that this missense change does not adversely affect protein function. In summary, the available evidence is currently insufficient to determine the role of this variant in disease. Therefore, it has been classified as a Variant of Uncertain Significance. This variant is present in population databases (rs146066080, gnomAD 0.04%). This sequence change replaces valine, which is neutral and non-polar, with isoleucine, which is neutral and non-polar, at codon 298 of the GYG2 protein (p.Val298Ile).

GeneDx
Classification: Likely benign. Last evaluated: 2018-03-06. Review status: criteria provided, single submitter. Criteria: GeneDx Variant Classification (06012015). Collection method: clinical testing. Allele origin: germline. Affected: yes.
Comment: This variant is considered likely benign or benign based on one or more of the following criteria: it is a conservative change, it occurs at a poorly conserved position in the protein, it is predicted to be benign by multiple in silico algorithms, and/or has population frequency not consistent with disease.